The following is an entry in ClinVar:

ClinVar aggregate classification (germline): Benign. Review status: criteria provided, multiple submitters, no conflicts (2 of 4 stars). 3 submissions from 3 submitters: Benign (3). Last evaluated 2026-01-31.

Conditions:
Fraser syndrome 1 (FRASRS1). Also called: CRYPTOPHTHALMOS WITH OTHER MALFORMATIONS. Identifiers: Orphanet 2052, MedGen C4551480, MONDO:0054737, OMIM 219000.

Allele frequency attached by ClinVar (database versions not stated): gnomAD exomes 0.00139; ExAC 0.00187; 1000 Genomes Project 30x 0.00390; 1000 Genomes Project 0.00439; gnomAD 0.00600 and 0.00648; TOPMed 0.00692; ESP Exome Variant Server 0.00877.
gnomAD v4.1: 1,813 of 1,611,186 alleles (0.11%); highest among the groups gnomAD compares: African/African-American, 2.1%; 30 homozygotes.

Submissions (3):

Labcorp Genetics (formerly Invitae), Labcorp
Classification: Benign. Last evaluated: 2026-01-31. Review status: criteria provided, single submitter. Criteria: Invitae Variant Classification Sherloc (09022015). Collection method: clinical testing. Allele origin: germline.

Genetic Services Laboratory, University of Chicago
Classification: Benign. Last evaluated: 2019-02-18. Review status: criteria provided, single submitter. Criteria: ACMG Guidelines, 2015. Collection method: clinical testing. Allele origin: germline. Affected: no.

Illumina Laboratory Services, Illumina
Classification: Benign for Fraser syndrome 1. Last evaluated: 2018-01-13. Review status: criteria provided, single submitter. Criteria: ICSL Variant Classification Criteria 13 December 2019. Collection method: clinical testing. Allele origin: germline.
Comment: This variant was observed in the ICSL laboratory as part of a predisposition screen in an ostensibly healthy population. It had not been previously curated by ICSL or reported in the Human Gene Mutation Database (HGMD: prior to June 1st, 2018), and was therefore a candidate for classification through an automated scoring system. Utilizing variant allele frequency, disease prevalence and penetrance estimates, and inheritance mode, an automated score was calculated to assess if this variant is too frequent to cause the disease. Based on the score and internal cut-off values, a variant classified as benign is not then subjected to further curation. The score for this variant resulted in a classification of benign for this disease.

NM_025074.7(FRAS1):c.10598G>A (p.Arg3533Gln)

Gene: FRAS1 (Fraser extracellular matrix complex subunit 1; plus strand). Cytogenetic location: 4q21.21.
Variant type: single nucleotide variant.
Coding change: c.10598G>A on transcript NM_025074.7 (MANE Select); coding-DNA position 10598, G replaced by A.
Protein change: p.Arg3533Gln; replaces arginine 3533 with glutamine.
Molecular consequence: missense variant.
Genome position (GRCh38, 1-based): chr4:78,521,580, G>A. VCF-style: chr4-78521580-G-A. GRCh37 (hg19) VCF-style: chr4-79442734-G-A.
Other names: short protein forms R3533Q.
Identifiers: ClinVar variation 702030 (VCV000702030.16), dbSNP rs115878217, ClinGen allele CA2979016.
Genomic context (GRCh38, chr4:78,521,580, plus strand): 5'-CAGGAATCCAGACAGACAGCGTGCTCTCTGCAAGGCTTCAGATAATAAGAATCTACATTC[G>A]AGAGGATGGCCGTCTTGTCATTGAATTCAAGACCCATGCCAAATTCAGAGGTAATATCAA-3'
Protein context (NP_079350.5, residues 3523-3543): ARLQIIRIYI[Arg3533Gln]EDGRLVIEFK